The following is an entry in ClinVar:

NM_001105206.3(LAMA4):c.2279C>T (p.Thr760Ile)

Gene: LAMA4 (laminin subunit alpha 4; minus strand). Cytogenetic location: 6q21.
Variant type: single nucleotide variant.
Coding change: c.2279C>T on transcript NM_001105206.3 (MANE Select); coding-DNA position 2279, C replaced by T.
Protein change: p.Thr760Ile; replaces threonine 760 with isoleucine.
Molecular consequence: missense variant.
Genome position (GRCh38, 1-based): chr6:112,148,231, G>A on the plus strand (C>T on the coding strand, the complement: LAMA4 is on the minus strand). VCF-style: chr6-112148231-G-A. GRCh37 (hg19) VCF-style: chr6-112469433-G-A.
Other names: c.2258C>T, p.Thr753Ile (NM_001105207.3, NM_002290.5); short protein forms T753I, T760I.
Identifiers: ClinVar variation 1788546 (VCV001788546.2), dbSNP rs1554334976, ClinGen allele CA365383562.

ClinVar aggregate classification (germline): Uncertain significance (1 of 4 stars; one submission).

Conditions:
Cardiovascular phenotype. Identifiers: MedGen CN230736.

Submission:

Ambry Genetics
Classification: Uncertain significance for Cardiovascular phenotype. Last evaluated: 2022-09-13. Review status: criteria provided, single submitter. Criteria: Ambry Variant Classification Scheme 2023. Collection method: clinical testing. Allele origin: germline.
Comment: The p.T753I variant (also known as c.2258C>T), located in coding exon 17 of the LAMA4 gene, results from a C to T substitution at nucleotide position 2258. The threonine at codon 753 is replaced by isoleucine, an amino acid with similar properties. This amino acid position is not well conserved in available vertebrate species. In addition, this alteration is predicted to be tolerated by in silico analysis. Since supporting evidence is limited at this time, the clinical significance of this alteration remains unclear.